The following is an entry in ClinVar:

ClinVar aggregate classification (germline): Uncertain significance (1 of 4 stars; one submission).

Conditions:
T-cell immunodeficiency, congenital alopecia, and nail dystrophy. Also called: Congenital alopecia and nail dystrophy associated with severe functional T-cell immunodeficiency; Pignata Guarino syndrome. Identifiers: Orphanet 169095, MedGen C1866426, MONDO:0011132, OMIM 601705.

Submission:

Labcorp Genetics (formerly Invitae), Labcorp
Classification: Uncertain significance for T-cell immunodeficiency, congenital alopecia, and nail dystrophy. Last evaluated: 2021-07-26. Review status: criteria provided, single submitter. Criteria: Invitae Variant Classification Sherloc (09022015). Collection method: clinical testing. Allele origin: germline.
Comment: This sequence change replaces glycine with glutamic acid at codon 606 of the FOXN1 protein (p.Gly606Glu). The glycine residue is weakly conserved and there is a moderate physicochemical difference between glycine and glutamic acid. In summary, the available evidence is currently insufficient to determine the role of this variant in disease. Therefore, it has been classified as a Variant of Uncertain Significance. Algorithms developed to predict the effect of missense changes on protein structure and function output the following: SIFT: "Tolerated"; PolyPhen-2: "Benign"; Align-GVGD: "Class C0". The glutamic acid amino acid residue is found in multiple mammalian species, which suggests that this missense change does not adversely affect protein function. This variant has not been reported in the literature in individuals affected with FOXN1-related conditions. This variant is not present in population databases (ExAC no frequency).

NM_001369369.1(FOXN1):c.1817G>A (p.Gly606Glu)

Gene: FOXN1 (forkhead box N1; plus strand). Cytogenetic location: 17q11.2.
Variant type: single nucleotide variant.
Coding change: c.1817G>A on transcript NM_001369369.1 (MANE Select); coding-DNA position 1817, G replaced by A.
Protein change: p.Gly606Glu; replaces glycine 606 with glutamic acid.
Molecular consequence: missense variant.
Genome position (GRCh38, 1-based): chr17:28,537,306, G>A. VCF-style: chr17-28537306-G-A. GRCh37 (hg19) VCF-style: chr17-26864324-G-A.
Other names: c.1817G>A, p.Gly606Glu (NM_003593.3); short protein forms G606E.
Identifiers: ClinVar variation 1478128 (VCV001478128.8), dbSNP rs2151502303, ClinGen allele CA398328262.